The following is an entry in ClinVar:

NM_020937.4(FANCM):c.136G>A (p.Ala46Thr)

Gene: FANCM (FA complementation group M; plus strand). Cytogenetic location: 14q21.2.
Variant type: single nucleotide variant.
Coding change: c.136G>A on transcript NM_020937.4 (MANE Select); coding-DNA position 136, G replaced by A.
Protein change: p.Ala46Thr; replaces alanine 46 with threonine.
Molecular consequence: missense variant.
Genome position (GRCh38, 1-based): chr14:45,136,167, G>A. VCF-style: chr14-45136167-G-A. GRCh37 (hg19) VCF-style: chr14-45605370-G-A.
Other names: c.136G>A, p.Ala46Thr (NM_001308133.2, NM_001308134.2); short protein forms A46T.
Identifiers: ClinVar variation 2126672 (VCV002126672.4), dbSNP rs2139100484, ClinGen allele CA389587101.

ClinVar aggregate classification (germline): Uncertain significance (1 of 4 stars; one submission).

Conditions:
Fanconi anemia (FA). Also called: Fanconi's anemia. Identifiers: Orphanet 84, MedGen C0015625, MeSH D005199, MONDO:0019391.

Submission:

Labcorp Genetics (formerly Invitae), Labcorp
Classification: Uncertain significance for Fanconi anemia. Last evaluated: 2022-04-16. Review status: criteria provided, single submitter. Criteria: Invitae Variant Classification Sherloc (09022015). Collection method: clinical testing. Allele origin: germline.
Comment: This variant has not been reported in the literature in individuals affected with FANCM-related conditions. This sequence change replaces alanine, which is neutral and non-polar, with threonine, which is neutral and polar, at codon 46 of the FANCM protein (p.Ala46Thr). This variant is not present in population databases (gnomAD no frequency). Algorithms developed to predict the effect of missense changes on protein structure and function output the following: SIFT: "Tolerated"; PolyPhen-2: "Benign"; Align-GVGD: "Class C0". The threonine amino acid residue is found in multiple mammalian species, which suggests that this missense change does not adversely affect protein function. In summary, the available evidence is currently insufficient to determine the role of this variant in disease. Therefore, it has been classified as a Variant of Uncertain Significance.